The following is an entry in ClinVar:

ClinVar aggregate classification (germline): Uncertain significance (1 of 4 stars; one submission).

Conditions:
Mucopolysaccharidosis, MPS-III-D (MPS3D). Also called: N-ACETYLGLUCOSAMINE-6-SULFATASE DEFICIENCY; SANFILIPPO SYNDROME D; MPS III D; Mucopoly-saccharidosis type 3D; N-acetylglucosamine-6-sulfate sulfatase deficiency; MPS 3D. Identifiers: Orphanet 581, Orphanet 79272, MedGen C0086650, MONDO:0009658, OMIM 252940.

Submission:

Labcorp Genetics (formerly Invitae), Labcorp
Classification: Uncertain significance for Mucopolysaccharidosis, MPS-III-D. Last evaluated: 2022-05-04. Review status: criteria provided, single submitter. Criteria: Invitae Variant Classification Sherloc (09022015). Collection method: clinical testing. Allele origin: germline.
Comment: In summary, the available evidence is currently insufficient to determine the role of this variant in disease. Therefore, it has been classified as a Variant of Uncertain Significance. Algorithms developed to predict the effect of missense changes on protein structure and function are either unavailable or do not agree on the potential impact of this missense change (SIFT: "Deleterious"; PolyPhen-2: "Probably Damaging"; Align-GVGD: "Class C0"). This variant has not been reported in the literature in individuals affected with GNS-related conditions. This variant is not present in population databases (gnomAD no frequency). This sequence change replaces glycine, which is neutral and non-polar, with cysteine, which is neutral and slightly polar, at codon 63 of the GNS protein (p.Gly63Cys).

NM_002076.4(GNS):c.187G>T (p.Gly63Cys)

Gene: GNS (glucosamine (N-acetyl)-6-sulfatase; minus strand). Cytogenetic location: 12q14.3.
Variant type: single nucleotide variant.
Coding change: c.187G>T on transcript NM_002076.4 (MANE Select); coding-DNA position 187, G replaced by T.
Protein change: p.Gly63Cys; replaces glycine 63 with cysteine.
Molecular consequence: missense variant.
Genome position (GRCh38, 1-based): chr12:64,759,090, C>A on the plus strand (G>T on the coding strand, the complement: GNS is on the minus strand). VCF-style: chr12-64759090-C-A. GRCh37 (hg19) VCF-style: chr12-65152870-C-A.
Other names: short protein forms G63C.
Identifiers: ClinVar variation 2133356 (VCV002133356.4), dbSNP rs2539541617, ClinGen allele CA385612858.
Genomic context (GRCh38, chr12:64,759,090, plus strand): 5'-AAACCGGGTAGTCAGCCCAAGAGATAGAGGGGCGGGGCAGAAACAGAAGAGTTACCATGC[C>A]GCCGAGCACTTCGTCCTGGTCGTCCGTGAGGAGCAGCACCACGTTGGGCCTCCGGGTTCC-3'
Protein context (NP_002067.1, residues 53-73): LTDDQDEVLG[Gly63Cys]MTPLKKTKAL